The following is an entry in ClinVar:

ClinVar aggregate classification (germline): Uncertain significance (1 of 4 stars; one submission).

gnomAD v4.1: 1 of 1,599,174 alleles (0.000063%); highest among the groups gnomAD compares: Non-Finnish European, 0.000085%; no homozygotes.

Submission:

Labcorp Genetics (formerly Invitae), Labcorp
Classification: Uncertain significance. Last evaluated: 2023-12-11. Review status: criteria provided, single submitter. Criteria: Invitae Variant Classification Sherloc (09022015). Collection method: clinical testing. Allele origin: germline.
Comment: This sequence change replaces leucine, which is neutral and non-polar, with phenylalanine, which is neutral and non-polar, at codon 9 of the LAMA1 protein (p.Leu9Phe). This variant is not present in population databases (gnomAD no frequency). This variant has not been reported in the literature in individuals affected with LAMA1-related conditions. ClinVar contains an entry for this variant (Variation ID: 2099549). Experimental studies and prediction algorithms are not available or were not evaluated, and the functional significance of this variant is currently unknown. In summary, the available evidence is currently insufficient to determine the role of this variant in disease. Therefore, it has been classified as a Variant of Uncertain Significance.

NM_005559.4(LAMA1):c.27G>C (p.Leu9Phe)

Gene: LAMA1 (laminin subunit alpha 1; minus strand). Cytogenetic location: 18p11.31.
Variant type: single nucleotide variant.
Coding change: c.27G>C on transcript NM_005559.4 (MANE Select); coding-DNA position 27, G replaced by C.
Protein change: p.Leu9Phe; replaces leucine 9 with phenylalanine.
Molecular consequence: missense variant.
Genome position (GRCh38, 1-based): chr18:7,117,694, C>G on the plus strand (G>C on the coding strand, the complement: LAMA1 is on the minus strand). VCF-style: chr18-7117694-C-G. GRCh37 (hg19) VCF-style: chr18-7117693-C-G.
Other names: short protein forms L9F.
Identifiers: ClinVar variation 2099549 (VCV002099549.4), dbSNP rs2510127364, ClinGen allele CA401831017.